The following is an entry in ClinVar:

NM_000540.3(RYR1):c.9818C>T (p.Thr3273Met)

Gene: RYR1 (ryanodine receptor 1; plus strand). Cytogenetic location: 19q13.2.
Variant type: single nucleotide variant.
Coding change: c.9818C>T on transcript NM_000540.3 (MANE Select); coding-DNA position 9818, C replaced by T.
Protein change: p.Thr3273Met; replaces threonine 3273 with methionine.
Molecular consequence: missense variant.
Genome position (GRCh38, 1-based): chr19:38,517,491, C>T. VCF-style: chr19-38517491-C-T. GRCh37 (hg19) VCF-style: chr19-39008131-C-T.
Other names: c.9818C>T, p.Thr3273Met (NM_001042723.2); short protein forms T3273M.
Identifiers: ClinVar variation 590639 (VCV000590639.5), dbSNP rs371744890, ClinGen allele CA074185.

ClinVar aggregate classification (germline): Uncertain significance. Review status: criteria provided, multiple submitters, no conflicts (2 of 4 stars). 3 submissions from 3 submitters: Uncertain significance (3). Last evaluated 2025-04-30.

Conditions:
RYR1-related disorder. Also called: RYR1-related disorders; RYR1-related condition. Identifiers: MedGen CN239331.
Malignant hyperthermia, susceptibility to, 1 (MHS1). Also called: Anesthesia related hyperthermia; Malignant hyperpyrexia; Fulminating hyperpyrexia; Pharmacogenic myopathy; RYR1-Related Malignant Hyperthermia Susceptibility; Malignant hyperthermia suceptibility 1. Identifiers: Orphanet 423, MedGen C2930980, MONDO:0007783, OMIM 145600.

Allele frequency attached by ClinVar (database versions not stated): gnomAD 0.00001; gnomAD exomes 0.00002 and 0.00004; ExAC 0.00003; TOPMed 0.00003; ESP Exome Variant Server 0.00015.
gnomAD v4.1: 26 of 1,614,020 alleles (0.0016%); highest among the groups gnomAD compares: South Asian, 0.012%; no homozygotes.

Submissions (3):

Labcorp Genetics (formerly Invitae), Labcorp
Classification: Uncertain significance for RYR1-related disorder. Last evaluated: 2025-04-30. Review status: criteria provided, single submitter. Criteria: Invitae Variant Classification Sherloc (09022015). Collection method: clinical testing. Allele origin: germline.
Comment: This sequence change replaces threonine, which is neutral and polar, with methionine, which is neutral and non-polar, at codon 3273 of the RYR1 protein (p.Thr3273Met). This variant is present in population databases (rs371744890, gnomAD 0.01%). This missense change has been observed in individual(s) with myopathy (PMID: 32236737). ClinVar contains an entry for this variant (Variation ID: 590639). Invitae Evidence Modeling of protein sequence and biophysical properties (such as structural, functional, and spatial information, amino acid conservation, physicochemical variation, residue mobility, and thermodynamic stability) indicates that this missense variant is not expected to disrupt RYR1 protein function with a negative predictive value of 80%. In summary, the available evidence is currently insufficient to determine the role of this variant in disease. Therefore, it has been classified as a Variant of Uncertain Significance.

All of Us Research Program, National Institutes of Health
Classification: Uncertain significance for Malignant hyperthermia, susceptibility to, 1. Last evaluated: 2024-02-05. Review status: criteria provided, single submitter. Criteria: ACMG Guidelines, 2015. Collection method: clinical testing. Allele origin: germline. Inheritance: Autosomal dominant inheritance. Observed: 7 variant alleles, 7 heterozygotes.
Comment: This missense variant replaces threonine with methionine at codon 3273 of the RYR1 protein. Computational prediction suggests that this variant may not impact protein structure and function (internally defined REVEL score threshold <= 0.5, PMID: 27666373). To our knowledge, functional studies have not been reported for this variant. This variant has not been reported in individuals affected with RYR1-related disorders in the literature. This variant has been identified in 9/250568 chromosomes in the general population by the Genome Aggregation Database (gnomAD). The available evidence is insufficient to determine the role of this variant in disease conclusively. Therefore, this variant is classified as a Variant of Uncertain Significance.

This study involves interpretation of variants in research participants for the purpose of population health screening. Participant phenotype was not available at the time of variant classification. Additional details can be found in publication PMID: 35346344, PMCID: PMC8962531

PreventionGenetics, part of Exact Sciences
Classification: Uncertain significance. Last evaluated: 2015-10-23. Review status: criteria provided, single submitter. Criteria: ACMG Guidelines, 2015. Collection method: clinical testing. Allele origin: germline.

Literature cited by the submitters: PubMed 32236737 (cited by Labcorp Genetics (formerly Invitae), Labcorp).